The following is an entry in ClinVar:

NM_020247.5(COQ8A):c.1800C>G (p.Val600=)

Gene: COQ8A (coenzyme Q8A; plus strand). Cytogenetic location: 1q42.13.
Variant type: single nucleotide variant.
Coding change: c.1800C>G on transcript NM_020247.5 (MANE Select); coding-DNA position 1800, C replaced by G.
Protein change: p.Val600=; no amino-acid change (valine 600 retained).
Molecular consequence: synonymous variant.
Genome position (GRCh38, 1-based): chr1:226,986,593, C>G. VCF-style: chr1-226986593-C-G. GRCh37 (hg19) VCF-style: chr1-227174294-C-G.
Other names: p.Val600=.
Identifiers: ClinVar variation 446794 (VCV000446794.17), dbSNP rs74589348, ClinGen allele CA1425672.

ClinVar aggregate classification (germline): Benign/Likely benign. Review status: criteria provided, multiple submitters, no conflicts (2 of 4 stars). 6 submissions from 6 submitters: Benign (1); Likely benign (4). 1 of the submissions does not count toward it. Last evaluated 2026-01-22.

Conditions:
COQ8A-related disorder. Also called: COQ8A-related condition.

Allele frequency attached by ClinVar (database versions not stated): ESP Exome Variant Server 0.00062; 1000 Genomes Project 30x 0.00078; TOPMed 0.00084; 1000 Genomes Project 0.00100.
gnomAD v4.1: 225 of 1,613,838 alleles (0.014%); highest among the groups gnomAD compares: African/African-American, 0.25%; no homozygotes.

Submissions (6):

Labcorp Genetics (formerly Invitae), Labcorp
Classification: Benign. Last evaluated: 2026-01-22. Review status: criteria provided, single submitter. Criteria: Invitae Variant Classification Sherloc (09022015). Collection method: clinical testing. Allele origin: germline.

Mayo Clinic Laboratories, Mayo Clinic
Classification: Likely benign. Last evaluated: 2025-02-03. Review status: criteria provided, single submitter. Criteria: ACMG Guidelines, 2015. Collection method: clinical testing. Allele origin: germline. Observed: 1 variant allele.
Comment: BP4, BP7

Athena Diagnostics
Classification: Likely benign. Last evaluated: 2024-10-08. Review status: criteria provided, single submitter. Criteria: Athena Diagnostics Criteria. Collection method: clinical testing. Allele origin: unknown.

Blueprint Genetics
Classification: Likely benign. Last evaluated: 2024-06-11. Review status: criteria provided, single submitter. Criteria: ACMG Guidelines, 2015. Collection method: clinical testing. Allele origin: germline.

GeneDx
Classification: Likely benign. Last evaluated: 2021-02-24. Review status: criteria provided, single submitter. Criteria: GeneDx Variant Classification Process June 2021. Collection method: clinical testing. Allele origin: germline. Affected: yes.

PreventionGenetics, part of Exact Sciences
Classification: Likely benign for COQ8A-related condition. Last evaluated: 2022-04-29. Review status: no assertion criteria provided. Collection method: clinical testing. Allele origin: germline. Not counted in ClinVar's aggregate classification.
Comment: This variant is classified as likely benign based on ACMG/AMP sequence variant interpretation guidelines (Richards et al. 2015 PMID: 25741868, with internal and published modifications).

Literature cited by the submitters: PubMed 29255295 (cited by Athena Diagnostics).